The following is an entry in ClinVar:

ClinVar aggregate classification (germline): Uncertain significance (1 of 4 stars; one submission).

Conditions:
Multiple congenital anomalies-hypotonia-seizures syndrome 1 (MCAHS1). Also called: PIGN-CDG; Congenital disorder of glycosylation due to PIGN deficiency; GLYCOSYLPHOSPHATIDYLINOSITOL BIOSYNTHESIS DEFECT 3. Identifiers: Orphanet 280633, MedGen C3279775, MONDO:0013563, OMIM 614080.

Allele frequency attached by ClinVar (database versions not stated): ExAC below 0.00001.

Submission:

Labcorp Genetics (formerly Invitae), Labcorp
Classification: Uncertain significance for Multiple congenital anomalies-hypotonia-seizures syndrome 1. Last evaluated: 2019-05-08. Review status: criteria provided, single submitter. Criteria: Invitae Variant Classification Sherloc (09022015). Collection method: clinical testing. Allele origin: germline.
Comment: The frequency data for this variant in the population databases is considered unreliable, as metrics indicate poor data quality at this position in the ExAC database. In summary, the available evidence is currently insufficient to determine the role of this variant in disease. Therefore, it has been classified as a Variant of Uncertain Significance. Algorithms developed to predict the effect of missense changes on protein structure and function are either unavailable or do not agree on the potential impact of this missense change (SIFT: "Tolerated"; PolyPhen-2: "Probably Damaging"; Align-GVGD: "Class C0"). This variant has not been reported in the literature in individuals with PIGN-related conditions. This sequence change replaces glycine with serine at codon 883 of the PIGN protein (p.Gly883Ser). The glycine residue is highly conserved and there is a small physicochemical difference between glycine and serine.

NM_176787.5(PIGN):c.2647G>A (p.Gly883Ser)

Gene: PIGN (phosphatidylinositol glycan anchor biosynthesis class N; minus strand). Cytogenetic location: 18q21.33.
Variant type: single nucleotide variant.
Coding change: c.2647G>A on transcript NM_176787.5 (MANE Select); coding-DNA position 2647, G replaced by A.
Protein change: p.Gly883Ser; replaces glycine 883 with serine.
Molecular consequence: missense variant.
Genome position (GRCh38, 1-based): chr18:62,072,698, C>T on the plus strand (G>A on the coding strand, the complement: PIGN is on the minus strand). VCF-style: chr18-62072698-C-T. GRCh37 (hg19) VCF-style: chr18-59739931-C-T.
Other names: c.2647G>A, p.Gly883Ser (NM_012327.6); short protein forms G883S.
Identifiers: ClinVar variation 846654 (VCV000846654.9), dbSNP rs777254701, ClinGen allele CA8981906.